The following is an entry in ClinVar:

ClinVar aggregate classification (germline): Likely benign (1 of 4 stars; one submission).

gnomAD v4.1: 8,341 of 1,611,746 alleles (0.52%); highest among the groups gnomAD compares: Non-Finnish European, 0.66%; 24 homozygotes.

Submission:

CeGaT Center for Human Genetics Tuebingen
Classification: Likely benign. Last evaluated: 2026-02-01. Review status: criteria provided, single submitter. Criteria: CeGaT Center For Human Genetics Tuebingen Variant Classification Criteria Version 2. Collection method: clinical testing. Allele origin: germline. Affected: yes. Observed: 1 variant allele.
Comment: TSPOAP1: BP4, BS2

NM_004758.4(TSPOAP1):c.4439G>A (p.Arg1480Gln)

Gene: TSPOAP1 (TSPO associated protein 1; minus strand). Cytogenetic location: 17q22.
Variant type: single nucleotide variant.
Coding change: c.4439G>A on transcript NM_004758.4 (MANE Select); coding-DNA position 4439, G replaced by A.
Protein change: p.Arg1480Gln; replaces arginine 1480 with glutamine.
Molecular consequence: missense variant.
Genome position (GRCh38, 1-based): chr17:58,308,833, C>T on the plus strand (G>A on the coding strand, the complement: TSPOAP1 is on the minus strand). VCF-style: chr17-58308833-C-T. GRCh37 (hg19) VCF-style: chr17-56386194-C-T.
Other names: c.4439G>A, p.Arg1480Gln (NM_001261835.2); c.4259G>A, p.Arg1420Gln (NM_024418.3); short protein forms R1420Q, R1480Q.
Identifiers: ClinVar variation 4820792 (VCV004820792.4).